The following is an entry in ClinVar:

ClinVar aggregate classification (germline): Uncertain significance. Review status: criteria provided, multiple submitters, no conflicts (2 of 4 stars). 4 submissions from 4 submitters: Uncertain significance (4). Last evaluated 2026-09-16.

Conditions:
Familial hypercholesterolemia. Also called: Familial hypercholesterolemias; Familial hypercholesterolaemia. Identifiers: MedGen C0020445, MONDO:0005439.
Familial hypobetalipoproteinemia 1. Also called: APOB-Related Familial Hypobetalipoproteinemia; Hypobetalipoproteinemia, normotriglyceridemic; Acanthocytosis with hypobetalipoproteinemia. Identifiers: MedGen C4551990, MONDO:0014252, OMIM 615558.
Hypercholesterolemia, autosomal dominant, type B (FHCL2). Also called: APOLIPOPROTEIN B-100, FAMILIAL DEFECTIVE; APOLIPOPROTEIN B-100, FAMILIAL LIGAND-DEFECTIVE; HYPERCHOLESTEROLEMIA, FAMILIAL, DUE TO LIGAND-DEFECTIVE APOLIPOPROTEIN B; Hyperlipoproteinemia Type IIb; Familial Hypercholesterolemia Type B; Familial hypercholesterolemia 2. Identifiers: MedGen C1704417, MONDO:0007751, OMIM 144010.
Cardiovascular phenotype. Identifiers: MedGen CN230736.

gnomAD v4.1: 11 of 1,614,148 alleles (0.00068%); highest among the groups gnomAD compares: Admixed American, 0.0083%; no homozygotes.

Submissions (4):

Cambridge Genomics Laboratory, East Genomic Laboratory Hub, NHS Genomic Medicine Service
Classification: Uncertain significance for Familial hypercholesterolaemia. Last evaluated: 2026-09-16. Review status: criteria provided, single submitter. Criteria: ACGS Best Practice Guidelines for Variant Classification in Rare Disease 2020. Collection method: clinical testing. Allele origin: germline. Affected: yes.
Comment: PM2_Supporting,PP4

Ambry Genetics
Classification: Uncertain significance for Cardiovascular phenotype. Last evaluated: 2026-01-17. Review status: criteria provided, single submitter. Criteria: Ambry Variant Classification Scheme 2023. Collection method: clinical testing. Allele origin: germline.
Comment: The p.Y1526H variant (also known as c.4576T>C), located in coding exon 26 of the APOB gene, results from a T to C substitution at nucleotide position 4576. The tyrosine at codon 1526 is replaced by histidine, an amino acid with similar properties. This amino acid position is conserved. In addition, this alteration is predicted to be tolerated by in silico analysis. Based on the available evidence, the clinical significance of this variant remains unclear.

Labcorp Genetics (formerly Invitae), Labcorp
Classification: Uncertain significance for Familial hypobetalipoproteinemia 1; Hypercholesterolemia, autosomal dominant, type B. Last evaluated: 2025-06-27. Review status: criteria provided, single submitter. Criteria: Invitae Variant Classification Sherloc (09022015). Collection method: clinical testing. Allele origin: germline.
Comment: This sequence change replaces tyrosine, which is neutral and polar, with histidine, which is basic and polar, at codon 1526 of the APOB protein (p.Tyr1526His). This variant is not present in population databases (gnomAD no frequency). This variant has not been reported in the literature in individuals affected with APOB-related conditions. Invitae Evidence Modeling of protein sequence and biophysical properties (such as structural, functional, and spatial information, amino acid conservation, physicochemical variation, residue mobility, and thermodynamic stability) indicates that this missense variant is not expected to disrupt APOB protein function with a negative predictive value of 95%. In summary, the available evidence is currently insufficient to determine the role of this variant in disease. Therefore, it has been classified as a Variant of Uncertain Significance.

Blueprint Genetics
Classification: Uncertain significance. Last evaluated: 2019-12-05. Review status: criteria provided, single submitter. Criteria: ACMG Guidelines, 2015. Collection method: clinical testing. Allele origin: germline.

NM_000384.3(APOB):c.4576T>C (p.Tyr1526His)

Gene: APOB (apolipoprotein B; minus strand). Cytogenetic location: 2p24.1.
Variant type: single nucleotide variant.
Coding change: c.4576T>C on transcript NM_000384.3 (MANE Select); coding-DNA position 4576, T replaced by C.
Protein change: p.Tyr1526His; replaces tyrosine 1526 with histidine.
Molecular consequence: missense variant.
Genome position (GRCh38, 1-based): chr2:21,012,292, A>G on the plus strand (T>C on the coding strand, the complement: APOB is on the minus strand). VCF-style: chr2-21012292-A-G. GRCh37 (hg19) VCF-style: chr2-21235164-A-G.
Other names: c.4576T>C (NM_000384.2); short protein forms Y1526H.
Identifiers: ClinVar variation 4794161 (VCV004794161.4).